The following is an entry in ClinVar:

NM_007294.4(BRCA1):c.2320G>T (p.Gly774Cys)

Gene: BRCA1 (BRCA1 DNA repair associated; minus strand). Cytogenetic location: 17q21.31.
Variant type: single nucleotide variant.
Coding change: c.2320G>T on transcript NM_007294.4 (MANE Select); coding-DNA position 2320, G replaced by T.
Protein change: p.Gly774Cys; replaces glycine 774 with cysteine.
Molecular consequence: missense variant. On other transcripts: intron variant (137).
Genome position (GRCh38, 1-based): chr17:43,093,211, C>A on the plus strand (G>T on the coding strand, the complement: BRCA1 is on the minus strand). VCF-style: chr17-43093211-C-A. GRCh37 (hg19) VCF-style: chr17-41245228-C-A.
Other names: c.643+1533G>T (NM_001408464.1, NM_001408470.1, NM_001408468.1 and 3 more transcripts); c.2197G>T, p.Gly733Cys (NM_001407680.1, NM_001407681.1, NM_001407682.1 and 19 more transcripts); c.2194G>T, p.Gly732Cys (NM_001407689.1, NM_001407690.1, NM_001407691.1 and 11 more transcripts); c.583+1533G>T (NM_001408475.1); c.709+1533G>T (NM_001408412.1, NM_001408409.1, NM_001408414.1 and 2 more transcripts); c.451+1533G>T (NM_001408509.1, NM_001408508.1); c.461-2179G>T (NM_001408506.1, NM_001408507.1); c.574+1533G>T (NM_001408491.1, NM_001408493.1, NM_001408490.1); and 41 more; short protein forms G774C, G727C, G647C, G685C, G686C, G704C, G732C, G773C.
Identifiers: ClinVar variation 462583 (VCV000462583.13), dbSNP rs1555589917, ClinGen allele CA10597362.

ClinVar aggregate classification (germline): Conflicting classifications of pathogenicity. Review status: criteria provided, conflicting classifications (1 of 4 stars). 3 submissions from 3 submitters: Uncertain significance (2); Likely benign (1). Last evaluated 2025-08-05.

Conditions:
Hereditary breast ovarian cancer syndrome. Also called: Hereditary breast and ovarian cancer syndrome (HBOC); Hereditary breast and ovarian cancer syndrome; Breast and ovarian cancer; Hereditary breast and/or ovarian cancer syndrome; Hereditary breast and ovarian cancer; BRCA1- and BRCA2-Associated Hereditary Breast and Ovarian Cancer. Identifiers: Orphanet 145, MedGen C0677776, MeSH D061325, MONDO:0003582. Disease mechanism: loss of function.
Hereditary cancer-predisposing syndrome. Also called: Neoplastic Syndromes, Hereditary; Hereditary Cancer Syndrome; Hereditary neoplastic syndrome; Tumor predisposition. Identifiers: Orphanet 140162, MedGen C0027672, MeSH D009386, MONDO:0015356.

Submissions (3):

Ambry Genetics
Classification: Uncertain significance for Hereditary cancer-predisposing syndrome. Last evaluated: 2025-08-05. Review status: criteria provided, single submitter. Criteria: Ambry Variant Classification Scheme 2023. Collection method: clinical testing. Allele origin: germline.
Comment: The p.G774C variant (also known as c.2320G>T), located in coding exon 9 of the BRCA1 gene, results from a G to T substitution at nucleotide position 2320. The glycine at codon 774 is replaced by cysteine, an amino acid with highly dissimilar properties. This amino acid position is poorly conserved in available vertebrate species. In addition, the in silico prediction for this alteration is inconclusive. Based on the available evidence, the clinical significance of this variant remains unclear.

University of Washington Department of Laboratory Medicine, University of Washington
Classification: Likely benign for Hereditary cancer-predisposing syndrome. Last evaluated: 2023-03-23. Review status: criteria provided, single submitter. Criteria: Dines et al. (Genet Med. 2020). Collection method: curation. Allele origin: germline.
Comment: Missense variant in a coldspot region where missense variants are very unlikely to be pathogenic (PMID:31911673).

BRCA1 coldspot (exon 11 using historical exon numbering). Reclassification based on statistical prior probability

Labcorp Genetics (formerly Invitae), Labcorp
Classification: Uncertain significance for Hereditary breast ovarian cancer syndrome. Last evaluated: 2017-07-27. Review status: criteria provided, single submitter. Criteria: Invitae Variant Classification Sherloc (09022015). Collection method: clinical testing. Allele origin: germline.
Comment: This sequence change replaces glycine with cysteine at codon 774 of the BRCA1 protein (p.Gly774Cys). The glycine residue is weakly conserved and there is a large physicochemical difference between glycine and cysteine. This variant is not present in population databases (ExAC no frequency). This variant has not been reported in the literature in individuals with BRCA1-related disease. Algorithms developed to predict the effect of missense changes on protein structure and function do not agree on the potential impact of this missense change (SIFT: "Tolerated"; PolyPhen-2: "Possibly Damaging"; Align-GVGD: "Class C0"). In summary, the available evidence is currently insufficient to determine the role of this variant in disease. Therefore, it has been classified as a Variant of Uncertain Significance.